The following is an entry in ClinVar:

ClinVar aggregate classification (germline): Benign/Likely benign. Review status: criteria provided, multiple submitters, no conflicts (2 of 4 stars). 4 submissions from 4 submitters: Benign (1); Likely benign (3). Last evaluated 2025-07-03.

Conditions:
Primary dilated cardiomyopathy (DCM). Also called: Dilated Cardiomyopathy. Identifiers: Orphanet 217604, MedGen C0007193, MeSH D002311, MONDO:0005021, HP:0001644. Inheritance: Various modes of inheritance.

Allele frequency attached by ClinVar (database versions not stated): gnomAD 0.00006; gnomAD exomes 0.00006 and 0.00015; TOPMed 0.00006; ExAC 0.00015.
gnomAD v4.1: 107 of 1,610,750 alleles (0.0066%); highest among the groups gnomAD compares: Admixed American, 0.0017%; no homozygotes.

Submissions (4):

Labcorp Genetics (formerly Invitae), Labcorp
Classification: Benign for Primary dilated cardiomyopathy. Last evaluated: 2025-07-03. Review status: criteria provided, single submitter. Criteria: Invitae Variant Classification Sherloc (09022015). Collection method: clinical testing. Allele origin: germline.

Ambry Genetics
Classification: Likely benign. Last evaluated: 2022-02-11. Review status: criteria provided, single submitter. Criteria: Ambry Variant Classification Scheme 2023. Collection method: clinical testing. Allele origin: germline.

GeneDx
Classification: Likely benign. Last evaluated: 2020-05-19. Review status: criteria provided, single submitter. Criteria: GeneDx Variant Classification Process June 2021. Collection method: clinical testing. Allele origin: germline. Affected: yes.

Laboratory for Molecular Medicine, Mass General Brigham Personalized Medicine
Classification: Likely benign. Last evaluated: 2013-12-20. Review status: criteria provided, single submitter. Criteria: LMM Criteria. Collection method: clinical testing. Allele origin: germline. Observed: 1 variant allele.
Comment: Gly424Gly in exon 13 of NEBL: This variant is not expected to have clinical sign ificance because it does not alter an amino acid residue and is not located with in the splice consensus sequence. Gly424Gly in exon 13 of NEBL (allele frequenc y = n/a)

NM_006393.3(NEBL):c.1272A>G (p.Gly424=)

Gene: NEBL (nebulette; minus strand). Cytogenetic location: 10p12.31.
Variant type: single nucleotide variant.
Coding change: c.1272A>G on transcript NM_006393.3 (MANE Select); coding-DNA position 1272, A replaced by G.
Protein change: p.Gly424=; no amino-acid change (glycine 424 retained).
Molecular consequence: synonymous variant. On other transcripts: intron variant (9).
Genome position (GRCh38, 1-based): chr10:20,840,805, T>C on the plus strand (A>G on the coding strand, the complement: NEBL is on the minus strand). VCF-style: chr10-20840805-T-C. GRCh37 (hg19) VCF-style: chr10-21129734-T-C.
Other names: c.250-27865A>G (NM_001377326.1, NM_001377327.1, NM_001377328.1); c.358-27865A>G (NM_213569.2, NM_001173484.2, NM_001377322.1); c.301-27865A>G (NM_001377324.1); c.292-27865A>G (NM_001377325.1); c.310-27865A>G (NM_001377323.1).
Identifiers: ClinVar variation 179438 (VCV000179438.17), dbSNP rs727504866, ClinGen allele CA184419.